The following is an entry in ClinVar:

ClinVar aggregate classification (germline): Uncertain significance (1 of 4 stars; one submission).

Conditions:
Rubinstein-Taybi syndrome due to EP300 haploinsufficiency. Also called: EP300-Related Rubinstein-Taybi Syndrome; RUBINSTEIN-TAYBI SYNDROME 2. Identifiers: Orphanet 353284, Orphanet 783, MedGen C3150941, MONDO:0013364, OMIM 613684.

gnomAD v4.1: 1 of 1,613,808 alleles (0.000062%); no homozygotes.

Submission:

Labcorp Genetics (formerly Invitae), Labcorp
Classification: Uncertain significance for Rubinstein-Taybi syndrome due to EP300 haploinsufficiency. Last evaluated: 2025-03-31. Review status: criteria provided, single submitter. Criteria: Invitae Variant Classification Sherloc (09022015). Collection method: clinical testing. Allele origin: germline.
Comment: This sequence change falls in intron 14 of the EP300 gene. It does not directly change the encoded amino acid sequence of the EP300 protein. It affects a nucleotide within the consensus splice site. This variant is not present in population databases (gnomAD no frequency). This variant has not been reported in the literature in individuals affected with EP300-related conditions. Variants that disrupt the consensus splice site are a relatively common cause of aberrant splicing (PMID: 17576681, 9536098). Algorithms developed to predict the effect of sequence changes on RNA splicing suggest that this variant is not likely to affect RNA splicing. In summary, the available evidence is currently insufficient to determine the role of this variant in disease. Therefore, it has been classified as a Variant of Uncertain Significance.

Literature cited by the submitters: PubMed 17576681; PubMed 9536098.

NM_001429.4(EP300):c.2818-3C>T

Genes: EP300 (EP300 lysine acetyltransferase; plus strand), LOC126863158 (BRD4-independent group 4 enhancer GRCh37_chr22:41547383-41548582; plus strand). Cytogenetic location: 22q13.2.
Variant type: single nucleotide variant.
Coding change: c.2818-3C>T on transcript NM_001429.4 (MANE Select); 3 bases into the intron before coding-DNA position 2818, C replaced by T.
Molecular consequence: intron variant.
Genome position (GRCh38, 1-based): chr22:41,151,830, C>T. VCF-style: chr22-41151830-C-T. GRCh37 (hg19) VCF-style: chr22-41547834-C-T.
Other names: c.2740-3C>T (NM_001362843.2).
Identifiers: ClinVar variation 3621293 (VCV003621293.2).
Genomic context (GRCh38, chr22:41,151,830, plus strand): 5'-TCTGATTGTATCGTTGGCAGACTCTGCGTGTGTCTCACCTACTTCCCTTTTTTTTCTGCC[C>T]AGCTTTCCCAGCCAGCTGTAAGCATTGAAGGACAGGTATCAAATCCTCCATCTACTAGTA-3'